The following is an entry in ClinVar:

ClinVar aggregate classification (germline): Likely benign. Review status: criteria provided, multiple submitters, no conflicts (2 of 4 stars). 3 submissions from 3 submitters: Likely benign (3). Last evaluated 2024-04-23.

Conditions:
Hereditary cancer-predisposing syndrome. Also called: Neoplastic Syndromes, Hereditary; Hereditary neoplastic syndrome; Hereditary Cancer Syndrome; Tumor predisposition. Identifiers: Orphanet 140162, MedGen C0027672, MeSH D009386, MONDO:0015356.
POLD1-related polyposis and colorectal cancer syndrome (CRCS10). Also called: Colorectal cancer, susceptibility to, 10; Colorectal cancer 10; COLORECTAL CANCER, SUSCEPTIBILITY TO, ON CHROMOSOME 19q. Identifiers: Orphanet 220460, MedGen C2675481, MONDO:0012953, OMIM 612591.

Allele frequency attached by ClinVar (database versions not stated): gnomAD exomes 0.00001.

Submissions (3):

Labcorp Genetics (formerly Invitae), Labcorp
Classification: Likely benign for POLD1-related polyposis and colorectal cancer syndrome. Last evaluated: 2024-04-23. Review status: criteria provided, single submitter. Criteria: Invitae Variant Classification Sherloc (09022015). Collection method: clinical testing. Allele origin: germline.

GeneDx
Classification: Likely benign. Last evaluated: 2018-02-02. Review status: criteria provided, single submitter. Criteria: GeneDx Variant Classification (06012015). Collection method: clinical testing. Allele origin: germline. Affected: yes.
Comment: This variant is considered likely benign or benign based on one or more of the following criteria: it is a conservative change, it occurs at a poorly conserved position in the protein, it is predicted to be benign by multiple in silico algorithms, and/or has population frequency not consistent with disease.

Ambry Genetics
Classification: Likely benign for Hereditary cancer-predisposing syndrome. Last evaluated: 2017-08-22. Review status: criteria provided, single submitter. Criteria: Ambry Variant Classification Scheme 2023. Collection method: clinical testing. Allele origin: germline.

NM_002691.4(POLD1):c.1702C>T (p.Leu568=)

Gene: POLD1 (DNA polymerase delta 1, catalytic subunit; plus strand). Cytogenetic location: 19q13.33.
Variant type: single nucleotide variant.
Coding change: c.1702C>T on transcript NM_002691.4 (MANE Select); coding-DNA position 1702, C replaced by T.
Protein change: p.Leu568=; no amino-acid change (leucine 568 retained).
Molecular consequence: synonymous variant. On other transcripts: non-coding transcript variant (1).
Genome position (GRCh38, 1-based): chr19:50,407,342, C>T. VCF-style: chr19-50407342-C-T. GRCh37 (hg19) VCF-style: chr19-50910599-C-T.
Other names: c.1702C>T, p.Leu568= (NM_001256849.1, NM_001308632.1).
Identifiers: ClinVar variation 414788 (VCV000414788.14), dbSNP rs1060504362, ClinGen allele CA16616144.